The following is an entry in ClinVar:

NM_003803.4(MYOM1):c.4223A>G (p.Asp1408Gly)

Gene: MYOM1 (myomesin 1; minus strand). Cytogenetic location: 18p11.31.
Variant type: single nucleotide variant.
Coding change: c.4223A>G on transcript NM_003803.4 (MANE Select); coding-DNA position 4223, A replaced by G.
Protein change: p.Asp1408Gly; replaces aspartic acid 1408 with glycine.
Molecular consequence: missense variant.
Genome position (GRCh38, 1-based): chr18:3,086,066, T>C on the plus strand (A>G on the coding strand, the complement: MYOM1 is on the minus strand). VCF-style: chr18-3086066-T-C. GRCh37 (hg19) VCF-style: chr18-3086064-T-C.
Other names: c.3935A>G, p.Asp1312Gly (NM_019856.2); short protein forms D1312G, D1408G.
Identifiers: ClinVar variation 3688228 (VCV003688228.2).

ClinVar aggregate classification (germline): Uncertain significance (1 of 4 stars; one submission).

Conditions:
Hypertrophic cardiomyopathy. Also called: HYPERTROPHIC MYOCARDIOPATHY. Identifiers: Orphanet 217569, MedGen C0007194, MeSH D002312, MONDO:0005045, HP:0001639.

Submission:

Labcorp Genetics (formerly Invitae), Labcorp
Classification: Uncertain significance for Hypertrophic cardiomyopathy. Last evaluated: 2024-11-10. Review status: criteria provided, single submitter. Criteria: Invitae Variant Classification Sherloc (09022015). Collection method: clinical testing. Allele origin: germline.
Comment: This sequence change replaces aspartic acid, which is acidic and polar, with glycine, which is neutral and non-polar, at codon 1408 of the MYOM1 protein (p.Asp1408Gly). This variant is not present in population databases (gnomAD no frequency). This variant has not been reported in the literature in individuals affected with MYOM1-related conditions. Invitae Evidence Modeling of protein sequence and biophysical properties (such as structural, functional, and spatial information, amino acid conservation, physicochemical variation, residue mobility, and thermodynamic stability) indicates that this missense variant is not expected to disrupt MYOM1 protein function with a negative predictive value of 80%. In summary, the available evidence is currently insufficient to determine the role of this variant in disease. Therefore, it has been classified as a Variant of Uncertain Significance.